The following is an entry in ClinVar:

NM_000718.4(CACNA1B):c.6869G>T (p.Arg2290Leu)

Gene: CACNA1B (calcium voltage-gated channel subunit alpha1 B; plus strand). Cytogenetic location: 9q34.3.
Variant type: single nucleotide variant.
Coding change: c.6869G>T on transcript NM_000718.4 (MANE Select); coding-DNA position 6869, G replaced by T.
Protein change: p.Arg2290Leu; replaces arginine 2290 with leucine.
Molecular consequence: missense variant.
Genome position (GRCh38, 1-based): chr9:138,121,848, G>T. VCF-style: chr9-138121848-G-T. GRCh37 (hg19) VCF-style: chr9-141016300-G-T.
Other names: c.6869G>T (NM_000718.3); c.6682G>T, p.Ala2228Ser (NM_001243812.2); short protein forms R2290L, A2228S.
Identifiers: ClinVar variation 1952656 (VCV001952656.5), dbSNP rs76756995, ClinGen allele CA375825067.

ClinVar aggregate classification (germline): Uncertain significance. Review status: criteria provided, multiple submitters, no conflicts (2 of 4 stars). 2 submissions from 2 submitters: Uncertain significance (2). Last evaluated 2025-10-01.

gnomAD v4.1: 11 of 1,613,202 alleles (0.00068%); highest among the groups gnomAD compares: Non-Finnish European, 0.00093%; no homozygotes.

Submissions (2):

Ambry Genetics
Classification: Uncertain significance. Last evaluated: 2025-10-01. Review status: criteria provided, single submitter. Criteria: Ambry Variant Classification Scheme 2023. Collection method: clinical testing. Allele origin: germline.

Labcorp Genetics (formerly Invitae), Labcorp
Classification: Uncertain significance. Last evaluated: 2021-12-25. Review status: criteria provided, single submitter. Criteria: Invitae Variant Classification Sherloc (09022015). Collection method: clinical testing. Allele origin: germline.
Comment: This sequence change replaces arginine, which is basic and polar, with leucine, which is neutral and non-polar, at codon 2290 of the CACNA1B protein (p.Arg2290Leu). This variant is present in population databases (no rsID available, gnomAD 0.007%). This variant has not been reported in the literature in individuals affected with CACNA1B-related conditions. Algorithms developed to predict the effect of missense changes on protein structure and function are either unavailable or do not agree on the potential impact of this missense change (SIFT: "Tolerated"; PolyPhen-2: "Probably Damaging"; Align-GVGD: "Class C0"). In summary, the available evidence is currently insufficient to determine the role of this variant in disease. Therefore, it has been classified as a Variant of Uncertain Significance.